The following is an entry in ClinVar:

ClinVar aggregate classification (germline): Conflicting classifications of pathogenicity. Review status: criteria provided, conflicting classifications (1 of 4 stars). 4 submissions from 4 submitters: Uncertain significance (3); Likely benign (1). Last evaluated 2025-10-01.

Conditions:
Inborn genetic diseases. Identifiers: MedGen C0950123, MeSH D030342.
Brain small vessel disease 2A, autosomal dominant. Also called: Porencephaly 2. Identifiers: Orphanet 2940, Orphanet 99810, MedGen C3280970, MONDO:0013773, OMIM 614483.

Allele frequency attached by ClinVar (database versions not stated): gnomAD exomes 0.00001 and 0.00002; gnomAD 0.00004 and 0.00005; TOPMed 0.00013.
gnomAD v4.1: 16 of 1,604,466 alleles (0.001%); highest among the groups gnomAD compares: Admixed American, 0.018%; no homozygotes.

Submissions (4):

Labcorp Genetics (formerly Invitae), Labcorp
Classification: Uncertain significance. Last evaluated: 2025-10-01. Review status: criteria provided, single submitter. Criteria: Invitae Variant Classification Sherloc (09022015). Collection method: clinical testing. Allele origin: germline.
Comment: This sequence change replaces proline, which is neutral and non-polar, with arginine, which is basic and polar, at codon 826 of the COL4A2 protein (p.Pro826Arg). This variant is present in population databases (no rsID available, gnomAD 0.003%). This variant has not been reported in the literature in individuals affected with COL4A2-related conditions. ClinVar contains an entry for this variant (Variation ID: 1696580). Invitae Evidence Modeling of protein sequence and biophysical properties (such as structural, functional, and spatial information, amino acid conservation, physicochemical variation, residue mobility, and thermodynamic stability) indicates that this missense variant is not expected to disrupt COL4A2 protein function with a negative predictive value of 95%. In summary, the available evidence is currently insufficient to determine the role of this variant in disease. Therefore, it has been classified as a Variant of Uncertain Significance.

Ambry Genetics
Classification: Uncertain significance for Inborn genetic diseases. Last evaluated: 2024-05-15. Review status: criteria provided, single submitter. Criteria: Ambry Variant Classification Scheme 2023. Collection method: clinical testing. Allele origin: germline.

Blueprint Genetics
Classification: Likely benign. Last evaluated: 2022-06-10. Review status: criteria provided, single submitter. Criteria: ACMG Guidelines, 2015. Collection method: clinical testing. Allele origin: germline.

New York Genome Center
Classification: Uncertain significance for Brain small vessel disease 2A, autosomal dominant. Last evaluated: 2021-09-17. Review status: criteria provided, single submitter. Criteria: NYGC Assertion Criteria 2020. Collection method: clinical testing. Allele origin: inherited. Observed: 1 heterozygote. Study: CSER-NYCKidSeq.
Comment: This variant has seven heterozygous individuals in the gnomAD v3 database, suggesting it is not a common benign variant in the populations represented in this database. In silico tools predicts conflicting interpretations of pathogenicity. The variant is a part of the Collagen triple helix repeat, which contains 20 copies of theG-X-Y repeat. The first position of the G-X-Y repeat is glycine, the second and third positions can be any residue but are frequently proline and hydroxy-proline. Based on the available evidence, the missense variant c.2477C>G, p.Pro826Arg in the COL4A2 gene is classified as a Variant of Uncertain Significance.

NM_001846.4(COL4A2):c.2477C>G (p.Pro826Arg)

Gene: COL4A2 (collagen type IV alpha 2 chain; plus strand). Cytogenetic location: 13q34.
Variant type: single nucleotide variant.
Coding change: c.2477C>G on transcript NM_001846.4 (MANE Select); coding-DNA position 2477, C replaced by G.
Protein change: p.Pro826Arg; replaces proline 826 with arginine.
Molecular consequence: missense variant.
Genome position (GRCh38, 1-based): chr13:110,478,054, C>G. VCF-style: chr13-110478054-C-G. GRCh37 (hg19) VCF-style: chr13-111130401-C-G.
Other names: c.2477C>G (NM_001846.2); short protein forms P826R.
Identifiers: ClinVar variation 1696580 (VCV001696580.8), dbSNP rs1020176452, ClinGen allele CA256274279.